The following is an entry in ClinVar:

NM_004991.4(MECOM):c.3002A>T (p.Glu1001Val)

Gene: MECOM (MDS1 and EVI1 complex locus; minus strand). Cytogenetic location: 3q26.2.
Variant type: single nucleotide variant.
Coding change: c.3002A>T on transcript NM_004991.4 (MANE Select); coding-DNA position 3002, A replaced by T.
Protein change: p.Glu1001Val; replaces glutamic acid 1001 with valine.
Molecular consequence: missense variant.
Genome position (GRCh38, 1-based): chr3:169,095,093, T>A on the plus strand (A>T on the coding strand, the complement: MECOM is on the minus strand). VCF-style: chr3-169095093-T-A. GRCh37 (hg19) VCF-style: chr3-168812881-T-A.
Other names: c.2633A>T, p.Glu878Val (NM_001105077.4); c.2438A>T, p.Glu813Val (NM_001105078.4, NM_001205194.2, NM_001366469.2 and 1 more transcripts); c.2414A>T, p.Glu805Val (NM_001163999.2, NM_001366470.2); c.2411A>T, p.Glu804Val (NM_001164000.2, NM_001366471.2, NM_001366472.2); c.2975A>T, p.Glu992Val (NM_001366466.2); c.2441A>T, p.Glu814Val (NM_001366467.2, NM_001366468.2); c.2003A>T, p.Glu668Val (NM_001366473.2); c.1439A>T, p.Glu480Val (NM_001366474.2); short protein forms E805V, E814V, E1001V, E878V, E480V, E668V, E804V, E813V.
Identifiers: ClinVar variation 4624621 (VCV004624621.1).

ClinVar aggregate classification (germline): Uncertain significance (1 of 4 stars; one submission).

Conditions:
Inborn genetic diseases. Identifiers: MedGen C0950123, MeSH D030342.

Submission:

Ambry Genetics
Classification: Uncertain significance for Inborn genetic diseases. Last evaluated: 2025-10-02. Review status: criteria provided, single submitter. Criteria: Ambry Variant Classification Scheme 2023. Collection method: clinical testing. Allele origin: germline.
Comment: The p.E1001V variant (also known as c.3002A>T), located in coding exon 13 of the MECOM gene, results from an A to T substitution at nucleotide position 3002. The glutamic acid at codon 1001 is replaced by valine, an amino acid with dissimilar properties. This amino acid position is conserved. In addition, the in silico prediction for this alteration is inconclusive. Based on the available evidence, the clinical significance of this variant remains unclear.